The following is an entry in ClinVar:

ClinVar aggregate classification (germline): Pathogenic (1 of 4 stars; one submission).

Conditions:
Cardiovascular phenotype. Identifiers: MedGen CN230736.
Hereditary cancer-predisposing syndrome. Also called: Neoplastic Syndromes, Hereditary; Tumor predisposition; Hereditary Cancer Syndrome; Hereditary neoplastic syndrome. Identifiers: Orphanet 140162, MedGen C0027672, MeSH D009386, MONDO:0015356.

Submission:

Ambry Genetics
Classification: Pathogenic for Cardiovascular phenotype; Hereditary cancer-predisposing syndrome. Last evaluated: 2016-11-29. Review status: criteria provided, single submitter. Criteria: Ambry Variant Classification Scheme 2023. Collection method: clinical testing. Allele origin: germline.
Comment: The c.3778_3782delATGTT pathogenic mutation, located in coding exon 28 of the NF1 gene, results from a deletion of 5 nucleotides at nucleotide positions 3778 to 3782, causing a translational frameshift with a predicted alternate stop codon. This alteration is expected to result in loss of function by premature protein truncation or nonsense-mediated mRNA decay. As such, this alteration is interpreted as a disease-causing mutation.

NM_001042492.3(NF1):c.3778_3782del (p.Met1260fs)

Gene: NF1 (neurofibromin 1; plus strand). Cytogenetic location: 17q11.2.
Variant type: Deletion.
Coding change: c.3778_3782del on transcript NM_001042492.3 (MANE Select); coding-DNA positions 3778 to 3782, 5 bases deleted (ATGTT; older notation c.3778_3782delATGTT).
Protein change: p.Met1260fs; shifts the reading frame from methionine 1260.
Molecular consequence: frameshift variant.
Genome position (GRCh38, 1-based): chr17:31,235,680-31,235,684, ATGTT deleted. VCF-style (leftmost placement, unchanged base first): chr17-31235679-CATGTT-C. GRCh37 (hg19) VCF-style: chr17-29562697-CATGTT-C.
Other names: c.3778_3782delATGTT (NM_000267.3); c.3778_3782delATGTT, p.Met1260Phefs (NM_000267.4); short protein forms M1260fs.
Identifiers: ClinVar variation 484084 (VCV000484084.5), dbSNP rs1555615462, ClinGen allele CA658656594.